The following is an entry in ClinVar:

ClinVar aggregate classification (germline): Uncertain significance. Review status: criteria provided, multiple submitters, no conflicts (2 of 4 stars). 4 submissions from 4 submitters: Uncertain significance (4). Last evaluated 2025-01-17.

Conditions:
Hereditary cancer-predisposing syndrome. Also called: Tumor predisposition; Hereditary neoplastic syndrome; Neoplastic Syndromes, Hereditary; Hereditary Cancer Syndrome. Identifiers: Orphanet 140162, MedGen C0027672, MeSH D009386, MONDO:0015356.
Multiple endocrine neoplasia, type 2 (MEN2). Identifiers: Orphanet 653, MedGen C4048306, MONDO:0019003. Disease mechanism: gain of function.

Submissions (4):

Ambry Genetics
Classification: Uncertain significance for Hereditary cancer-predisposing syndrome. Last evaluated: 2025-01-17. Review status: criteria provided, single submitter. Criteria: Ambry Variant Classification Scheme 2023. Collection method: clinical testing. Allele origin: germline.
Comment: The p.R175C variant (also known as c.523C>T), located in coding exon 3 of the RET gene, results from a C to T substitution at nucleotide position 523. The arginine at codon 175 is replaced by cysteine, an amino acid with highly dissimilar properties. This alteration has been detected in one individual with Hirschsprung disease (Carter TC et al. J. Hum. Genet., 2012 Aug;57:485-93). This amino acid position is well conserved in available vertebrate species. In addition, this alteration is predicted to be tolerated by in silico analysis. Based on the available evidence, the clinical significance of this variant remains unclear.

Labcorp Genetics (formerly Invitae), Labcorp
Classification: Uncertain significance for Multiple endocrine neoplasia, type 2. Last evaluated: 2024-08-27. Review status: criteria provided, single submitter. Criteria: Invitae Variant Classification Sherloc (09022015). Collection method: clinical testing. Allele origin: germline.
Comment: This sequence change replaces arginine, which is basic and polar, with cysteine, which is neutral and slightly polar, at codon 175 of the RET protein (p.Arg175Cys). This variant is not present in population databases (gnomAD no frequency). This missense change has been observed in individual(s) with Hirschsprung's disease or cervical adenocarcinoma (PMID: 22648184, 26556299). ClinVar contains an entry for this variant (Variation ID: 381592). An algorithm developed to predict the effect of missense changes on protein structure and function (PolyPhen-2) suggests that this variant is likely to be disruptive. In summary, the available evidence is currently insufficient to determine the role of this variant in disease. Therefore, it has been classified as a Variant of Uncertain Significance.

All of Us Research Program, National Institutes of Health
Classification: Uncertain significance for Multiple endocrine neoplasia, type 2. Last evaluated: 2024-01-11. Review status: criteria provided, single submitter. Criteria: ACMG Guidelines, 2015. Collection method: clinical testing. Allele origin: germline. Inheritance: Autosomal dominant inheritance. Observed: 2 variant alleles, 2 heterozygotes.
Comment: This study involves interpretation of variants in research participants for the purpose of population health screening. Participant phenotype was not available at the time of variant classification. Additional details can be found in publication PMID: 35346344, PMCID: PMC8962531

GeneDx
Classification: Uncertain significance. Last evaluated: 2016-10-24. Review status: criteria provided, single submitter. Criteria: GeneDx Variant Classification (06012015). Collection method: clinical testing. Allele origin: germline. Affected: yes.
Comment: The R175C variant in the RET gene has previously been reported in at least one individual with Hirschsprung disease (Carter et al., 2002). This variant was not observed in approximately 6,500 individuals of European and African American ancestry in the NHLBI Exome Sequencing Project, indicating it is not a common benign variant in these populations. The R175C variant is a non-conservative amino acid substitution, which is likely to impact secondary protein structure as these residues differ in polarity, charge, size and/or other properties. This substitution occurs at a position where amino acids with similar properties to Arginine are tolerated across species. In silico analysis predicts R175C is probably damaging to the protein structure/function. Missense variants in nearby residues (F174S, R180Q, R180P) have been reported in the Human Gene Mutation Database in association with Hirschsprung disease (Stenson et al., 2014), supporting the functional importance of this region of the protein. Based on the currently available information, it is unclear whether R175C is a pathogenic variant or a rare benign variant. We consider it to be a variant of uncertain significance.

Literature cited by the submitters: PubMed 22174939 (cited by Ambry Genetics); PubMed 22648184 (cited by Ambry Genetics and Labcorp Genetics (formerly Invitae), Labcorp); PubMed 26556299 (cited by Labcorp Genetics (formerly Invitae), Labcorp).

NM_020975.6(RET):c.523C>T (p.Arg175Cys)

Gene: RET (ret proto-oncogene; plus strand). Cytogenetic location: 10q11.21.
Variant type: single nucleotide variant.
Coding change: c.523C>T on transcript NM_020975.6 (MANE Select); coding-DNA position 523, C replaced by T.
Protein change: p.Arg175Cys; replaces arginine 175 with cysteine.
Molecular consequence: missense variant.
Genome position (GRCh38, 1-based): chr10:43,102,527, C>T. VCF-style: chr10-43102527-C-T. GRCh37 (hg19) VCF-style: chr10-43597975-C-T.
Other names: c.523C>T, p.Arg175Cys (NM_000323.2, NM_001406743.1, NM_001406744.1 and 16 more transcripts); c.394C>T, p.Arg132Cys (NM_001406761.1, NM_001406762.1, NM_001406764.1 and 4 more transcripts); short protein forms R175C, R132C.
Identifiers: ClinVar variation 381592 (VCV000381592.17), dbSNP rs1057521088, ClinGen allele CA16605638.
Genomic context (GRCh38, chr10:43,102,527, plus strand): 5'-CCAGCCTGCAGCTCCCTCAAGCCCCGGGAGCTCTGCTTCCCAGAGACAAGGCCCTCCTTC[C>T]GCATTCGGGAGAACCGACCCCCAGGCACCTTCCACCAGTTCCGCCTGCTGCCTGTGCAGT-3'
Protein context (NP_066124.1, residues 165-185): LCFPETRPSF[Arg175Cys]IRENRPPGTF